The following is an entry in ClinVar:

ClinVar aggregate classification (germline): Uncertain significance (1 of 4 stars; one submission).

Allele frequency attached by ClinVar (database versions not stated): ESP Exome Variant Server 0.00008; gnomAD exomes 0.00008; TOPMed 0.00015; gnomAD 0.00017; ExAC 0.00021; 1000 Genomes Project 0.00100; 1000 Genomes Project 30x 0.00109.

Submission:

Labcorp Genetics (formerly Invitae), Labcorp
Classification: Uncertain significance. Last evaluated: 2022-06-29. Review status: criteria provided, single submitter. Criteria: Invitae Variant Classification Sherloc (09022015). Collection method: clinical testing. Allele origin: germline.
Comment: In summary, the available evidence is currently insufficient to determine the role of this variant in disease. Therefore, it has been classified as a Variant of Uncertain Significance. Algorithms developed to predict the effect of missense changes on protein structure and function (SIFT, PolyPhen-2, Align-GVGD) all suggest that this variant is likely to be tolerated. This variant has not been reported in the literature in individuals affected with DHODH-related conditions. This variant is present in population databases (rs201823503, gnomAD 0.07%). This sequence change replaces arginine, which is basic and polar, with tryptophan, which is neutral and slightly polar, at codon 69 of the DHODH protein (p.Arg69Trp).

NM_001361.5(DHODH):c.205C>T (p.Arg69Trp)

Gene: DHODH (dihydroorotate dehydrogenase (quinone); plus strand). Cytogenetic location: 16q22.2.
Variant type: single nucleotide variant.
Coding change: c.205C>T on transcript NM_001361.5 (MANE Select); coding-DNA position 205, C replaced by T.
Protein change: p.Arg69Trp; replaces arginine 69 with tryptophan.
Molecular consequence: missense variant.
Genome position (GRCh38, 1-based): chr16:72,012,233, C>T. VCF-style: chr16-72012233-C-T. GRCh37 (hg19) VCF-style: chr16-72046132-C-T.
Other names: short protein forms R69W.
Identifiers: ClinVar variation 2065326 (VCV002065326.3), dbSNP rs201823503, ClinGen allele CA8158542.